The following is an entry in ClinVar:

NM_016169.4(SUFU):c.182+4T>C

Gene: SUFU (SUFU negative regulator of hedgehog signaling; plus strand). Cytogenetic location: 10q24.32.
Variant type: single nucleotide variant.
Coding change: c.182+4T>C on transcript NM_016169.4 (MANE Select); 4 bases into the intron after coding-DNA position 182, T replaced by C.
Molecular consequence: intron variant.
Genome position (GRCh38, 1-based): chr10:102,504,338, T>C. VCF-style: chr10-102504338-T-C. GRCh37 (hg19) VCF-style: chr10-104264095-T-C.
Other names: c.182+4T>C (NM_001178133.2).
Identifiers: ClinVar variation 839682 (VCV000839682.10), dbSNP rs1268149623, ClinGen allele CA595216506.

ClinVar aggregate classification (germline): Uncertain significance (1 of 4 stars; one submission).

Conditions:
Medulloblastoma (MDB). Also called: MEDULLOBLASTOMA PREDISPOSITION SYNDROME; Medulloblastoma, somatic. Identifiers: Orphanet 616, MedGen C0025149, MeSH D008527, MONDO:0007959, OMIM 155255, HP:0002885.
Gorlin syndrome. Also called: Nevoid Basal Cell Carcinoma Syndrome; Basal cell nevus syndrome. Identifiers: Orphanet 377, MedGen C0004779, MONDO:0007187.

Allele frequency attached by ClinVar (database versions not stated): gnomAD exomes below 0.00001.
gnomAD v4.1: 2 of 1,614,078 alleles (0.00012%); highest among the groups gnomAD compares: South Asian, 0.0011%; no homozygotes.

Submission:

Labcorp Genetics (formerly Invitae), Labcorp
Classification: Uncertain significance for Gorlin syndrome; Medulloblastoma. Last evaluated: 2022-08-16. Review status: criteria provided, single submitter. Criteria: Invitae Variant Classification Sherloc (09022015). Collection method: clinical testing. Allele origin: germline.
Comment: In summary, the available evidence is currently insufficient to determine the role of this variant in disease. Therefore, it has been classified as a Variant of Uncertain Significance. Variants that disrupt the consensus splice site are a relatively common cause of aberrant splicing (PMID: 17576681, 9536098). Algorithms developed to predict the effect of sequence changes on RNA splicing suggest that this variant is not likely to affect RNA splicing. ClinVar contains an entry for this variant (Variation ID: 839682). This variant has not been reported in the literature in individuals affected with SUFU-related conditions. This variant is present in population databases (no rsID available, gnomAD 0.003%). This sequence change falls in intron 1 of the SUFU gene. It does not directly change the encoded amino acid sequence of the SUFU protein. It affects a nucleotide within the consensus splice site.

Literature cited by the submitters: PubMed 17576681; PubMed 9536098.